The following is an entry in ClinVar:

ClinVar aggregate classification (germline): Uncertain significance (1 of 4 stars; one submission).

Conditions:
Amyotrophic lateral sclerosis type 1 (ALS1). Also called: AMYOTROPHIC LATERAL SCLEROSIS 1, FAMILIAL. Identifiers: Orphanet 803, MedGen C1862939, MONDO:0007103, OMIM 105400.
Neuronopathy, distal hereditary motor, type 7B. Also called: NEURONOPATHY, DISTAL HEREDITARY MOTOR, AUTOSOMAL DOMINANT 14; NEURONOPATHY, DISTAL HEREDITARY MOTOR, HARDING TYPE VIIB; NEUROPATHY, DISTAL HEREDITARY MOTOR, HARDING TYPE VIIB; NEUROPATHY, DISTAL HEREDITARY MOTOR, WITH VOCAL CORD PARALYSIS, HARDING TYPE VIIB; Distal Hereditary Motor Neuronopathy Type 7B (dHMN7B); HMN VIIB. Identifiers: Orphanet 139589, MedGen C1843315, MONDO:0011879, OMIM 607641.
Perry syndrome. Also called: PARKINSONISM WITH ALVEOLAR HYPOVENTILATION AND MENTAL DEPRESSION. Identifiers: Orphanet 178509, MedGen C1868594, MONDO:0008201, OMIM 168605.

Allele frequency attached by ClinVar (database versions not stated): TOPMed below 0.00001; gnomAD exomes 0.00001.
gnomAD v4.1: 3 of 1,614,176 alleles (0.00019%); highest among the groups gnomAD compares: Non-Finnish European, 0.00025%; no homozygotes.

Submission:

Labcorp Genetics (formerly Invitae), Labcorp
Classification: Uncertain significance for Amyotrophic lateral sclerosis type 1; Neuronopathy, distal hereditary motor, type 7B; Perry syndrome. Last evaluated: 2023-05-05. Review status: criteria provided, single submitter. Criteria: Invitae Variant Classification Sherloc (09022015). Collection method: clinical testing. Allele origin: germline.
Comment: In summary, the available evidence is currently insufficient to determine the role of this variant in disease. Therefore, it has been classified as a Variant of Uncertain Significance. Algorithms developed to predict the effect of sequence changes on RNA splicing suggest that this variant may create or strengthen a splice site. An algorithm developed to predict the effect of missense changes on protein structure and function (PolyPhen-2) suggests that this variant is likely to be disruptive. This variant has not been reported in the literature in individuals affected with DCTN1-related conditions. This variant is not present in population databases (gnomAD no frequency). This sequence change replaces valine, which is neutral and non-polar, with methionine, which is neutral and non-polar, at codon 430 of the DCTN1 protein (p.Val430Met).

NM_004082.5(DCTN1):c.1288G>A (p.Val430Met)

Gene: DCTN1 (dynactin subunit 1; minus strand). Cytogenetic location: 2p13.1.
Variant type: single nucleotide variant.
Coding change: c.1288G>A on transcript NM_004082.5 (MANE Select); coding-DNA position 1288, G replaced by A.
Protein change: p.Val430Met; replaces valine 430 with methionine.
Molecular consequence: missense variant. On other transcripts: non-coding transcript variant (1).
Genome position (GRCh38, 1-based): chr2:74,370,069, C>T on the plus strand (G>A on the coding strand, the complement: DCTN1 is on the minus strand). VCF-style: chr2-74370069-C-T. GRCh37 (hg19) VCF-style: chr2-74597196-C-T.
Other names: c.1228G>A, p.Val410Met (NM_001135040.3); c.886G>A, p.Val296Met (NM_001135041.3, NM_023019.4); c.1177G>A, p.Val393Met (NM_001190836.2); c.1267G>A, p.Val423Met (NM_001190837.2); c.1237G>A, p.Val413Met (NM_001378991.1); c.1219G>A, p.Val407Met (NM_001378992.1); short protein forms V393M, V296M, V407M, V410M, V413M, V423M, V430M.
Identifiers: ClinVar variation 2928301 (VCV002928301.3), dbSNP rs1674719795, ClinGen allele CA347360348.